The following is an entry in ClinVar:

NM_001082486.2(ACD):c.1298+1G>C

Gene: ACD (ACD shelterin complex subunit and telomerase recruitment factor; minus strand). Cytogenetic location: 16q22.1.
Variant type: single nucleotide variant.
Coding change: c.1298+1G>C on transcript NM_001082486.2 (MANE Select); the canonical splice donor site of the intron after coding-DNA position 1298, G replaced by C.
Molecular consequence: splice donor variant.
Genome position (GRCh38, 1-based): chr16:67,657,761, C>G on the plus strand (G>C on the coding strand, the complement: ACD is on the minus strand). VCF-style: chr16-67657761-C-G. GRCh37 (hg19) VCF-style: chr16-67691664-C-G.
Other names: c.1289+1G>C (NM_022914.3); c.1211+1G>C (NM_001410884.1).
Identifiers: ClinVar variation 1422369 (VCV001422369.6), dbSNP rs2052898891, ClinGen allele CA396349772.

ClinVar aggregate classification (germline): Uncertain significance (1 of 4 stars; one submission).

Conditions:
Dyskeratosis congenita, autosomal dominant 6 (DKCA6). Identifiers: Orphanet 3322, MedGen C4225284, MONDO:0014690, OMIM 616553.

Submission:

Labcorp Genetics (formerly Invitae), Labcorp
Classification: Uncertain significance for Dyskeratosis congenita, autosomal dominant 6. Last evaluated: 2021-08-15. Review status: criteria provided, single submitter. Criteria: Invitae Variant Classification Sherloc (09022015). Collection method: clinical testing. Allele origin: germline.
Comment: In summary, the available evidence is currently insufficient to determine the role of this variant in disease. Therefore, it has been classified as a Variant of Uncertain Significance. Variants that disrupt the consensus splice site are a relatively common cause of aberrant splicing (PMID: 17576681, 9536098). Algorithms developed to predict the effect of sequence changes on RNA splicing suggest that this variant may disrupt the consensus splice site. This variant has not been reported in the literature in individuals affected with ACD-related conditions. This variant is not present in population databases (ExAC no frequency). This sequence change falls in intron 11 of the ACD gene. It does not directly change the encoded amino acid sequence of the ACD protein. It affects a nucleotide within the consensus splice site of the intron.

Literature cited by the submitters: PubMed 17576681; PubMed 9536098.